The following is an entry in ClinVar:

NM_001367624.2(ZNF469):c.11856C>T (p.Ser3952=)

Gene: ZNF469 (zinc finger protein 469; plus strand). Cytogenetic location: 16q24.2.
Variant type: single nucleotide variant.
Coding change: c.11856C>T on transcript NM_001367624.2 (MANE Select); coding-DNA position 11856, C replaced by T.
Protein change: p.Ser3952=; no amino-acid change (serine 3952 retained).
Molecular consequence: synonymous variant.
Genome position (GRCh38, 1-based): chr16:88,439,326, C>T. VCF-style: chr16-88439326-C-T. GRCh37 (hg19) VCF-style: chr16-88505734-C-T.
Other names: NM_001127464.1:c.11772C>T; p.Ser3952=.
Identifiers: ClinVar variation 321034 (VCV000321034.23), dbSNP rs4782362, ClinGen allele CA8225651.

ClinVar aggregate classification (germline): Benign. Review status: criteria provided, multiple submitters, no conflicts (2 of 4 stars). 11 submissions from 11 submitters: Benign (8). 3 of the submissions do not count toward it. Last evaluated 2026-02-04.

Conditions:
Brittle cornea syndrome 1 (BCS1). Also called: DYSGENESIS MESODERMALIS CORNEAE ET SCLERAE; CORNEAL FRAGILITY, KERATOGLOBUS, BLUE SCLERAE, JOINT HYPEREXTENSIBILITY; EDS6B; FRAGILITAS OCULI WITH JOINT HYPEREXTENSIBILITY; Corneal fragility keratoglobus, blue sclerae AND joint hypermobility. Identifiers: Orphanet 90354, MedGen C0268344, MONDO:0024543, OMIM 229200.
Cardiovascular phenotype. Identifiers: MedGen CN230736.

Allele frequency attached by ClinVar (database versions not stated): 1000 Genomes Project 0.98722; TOPMed 0.98760; ESP Exome Variant Server 0.98795; gnomAD 0.98833 and 0.98899; ExAC 0.99574; gnomAD exomes 0.99776 and 0.99894; 1000 Genomes Project 30x 0.98626.
gnomAD v4.1: 1,547,075 of 1,550,324 alleles (100%); highest among the groups gnomAD compares: East Asian, 100%; 771,982 homozygotes.

Submissions (11):

Labcorp Genetics (formerly Invitae), Labcorp
Classification: Benign. Last evaluated: 2026-02-04. Review status: criteria provided, single submitter. Criteria: Invitae Variant Classification Sherloc (09022015). Collection method: clinical testing. Allele origin: germline.

Women's Health and Genetics/Laboratory Corporation of America, LabCorp
Classification: Benign. Last evaluated: 2025-10-13. Review status: criteria provided, single submitter. Criteria: LabCorp Variant Classification Summary - May 2015. Collection method: clinical testing. Allele origin: germline.

Blueprint Genetics
Classification: Benign. Last evaluated: 2024-11-27. Review status: criteria provided, single submitter. Criteria: ACMG Guidelines, 2015. Collection method: clinical testing. Allele origin: germline.

Mayo Clinic Laboratories, Mayo Clinic
Classification: Benign. Last evaluated: 2022-04-26. Review status: criteria provided, single submitter. Criteria: ACMG Guidelines, 2015. Collection method: clinical testing. Allele origin: germline. Observed: 3,092 variant alleles.

Genome-Nilou Lab
Classification: Benign for Brittle cornea syndrome 1. Last evaluated: 2021-12-05. Review status: criteria provided, single submitter. Criteria: ACMG Guidelines, 2015. Collection method: clinical testing. Allele origin: germline. Affected: no.

Ambry Genetics
Classification: Benign for Cardiovascular phenotype. Last evaluated: 2018-12-04. Review status: criteria provided, single submitter. Criteria: Ambry Variant Classification Scheme 2023. Collection method: clinical testing. Allele origin: germline.

GeneDx
Classification: Benign. Last evaluated: 2016-09-29. Review status: criteria provided, single submitter. Criteria: GeneDx Variant Classification (06012015). Collection method: clinical testing. Allele origin: germline. Affected: yes.
Comment: This variant is considered likely benign or benign based on one or more of the following criteria: it is a conservative change, it occurs at a poorly conserved position in the protein, it is predicted to be benign by multiple in silico algorithms, and/or has population frequency not consistent with disease.

Breakthrough Genomics
Classification: Benign. Review status: criteria provided, single submitter. Criteria: ACMG Guidelines, 2015. Collection method: not provided. Allele origin: germline. Inheritance: Autosomal recessive inheritance. Affected: yes.

Genome Diagnostics Laboratory, Amsterdam University Medical Center
Classification: Benign for Brittle cornea syndrome 1. Last evaluated: 2016-01-15. Review status: no assertion criteria provided. Criteria: ACGS Guidelines, 2013. Collection method: clinical testing. Allele origin: germline. Affected: yes. Study: VKGL Data-share Consensus. Not counted in ClinVar's aggregate classification.

Diagnostic Laboratory, Department of Genetics, University Medical Center Groningen
Classification: Benign for Brittle cornea syndrome 1. Review status: no assertion criteria provided. Collection method: clinical testing. Allele origin: germline. Affected: yes. Study: VKGL Data-share Consensus. Not counted in ClinVar's aggregate classification.

Joint Genome Diagnostic Labs from Nijmegen and Maastricht, Radboudumc and MUMC+
Classification: Benign. Review status: no assertion criteria provided. Collection method: clinical testing. Allele origin: germline. Affected: yes. Study: VKGL Data-share Consensus. Not counted in ClinVar's aggregate classification.